The following is an entry in ClinVar:

ClinVar aggregate classification (germline): Uncertain significance (1 of 4 stars; one submission).

Allele frequency attached by ClinVar (database versions not stated): gnomAD exomes below 0.00001.
gnomAD v4.1: 3 of 1,613,986 alleles (0.00019%); highest among the groups gnomAD compares: Non-Finnish European, 0.00025%; no homozygotes.

Submission:

Labcorp Genetics (formerly Invitae), Labcorp
Classification: Uncertain significance. Last evaluated: 2022-03-06. Review status: criteria provided, single submitter. Criteria: Invitae Variant Classification Sherloc (09022015). Collection method: clinical testing. Allele origin: germline.
Comment: This variant is not present in population databases (gnomAD no frequency). This variant has not been reported in the literature in individuals affected with CEP63-related conditions. Algorithms developed to predict the effect of sequence changes on RNA splicing suggest that this variant may create or strengthen a splice site. In summary, the available evidence is currently insufficient to determine the role of this variant in disease. Therefore, it has been classified as a Variant of Uncertain Significance. This sequence change affects codon 678 of the CEP63 mRNA. It is a 'silent' change, meaning that it does not change the encoded amino acid sequence of the CEP63 protein.

NM_001353108.3(CEP63):c.2034A>G (p.Leu678=)

Gene: CEP63 (centrosomal protein 63; plus strand). Cytogenetic location: 3q22.2.
Variant type: single nucleotide variant.
Coding change: c.2034A>G on transcript NM_001353108.3 (MANE Select); coding-DNA position 2034, A replaced by G.
Protein change: p.Leu678=; no amino-acid change (leucine 678 retained).
Molecular consequence: synonymous variant. On other transcripts: non-coding transcript variant (4), intron variant (5).
Genome position (GRCh38, 1-based): chr3:134,561,457, A>G. VCF-style: chr3-134561457-A-G. GRCh37 (hg19) VCF-style: chr3-134280299-A-G.
Other names: c.1410A>G, p.Leu470= (NM_001042383.2, NM_001353119.2, NM_001353120.2 and 2 more transcripts); c.1548A>G, p.Leu516= (NM_001042400.3, NM_001353110.1, NM_001353111.2 and 1 more transcripts); c.1896A>G, p.Leu632= (NM_001353109.1); c.1437A>G, p.Leu479= (NM_001353118.1); c.1326A>G, p.Leu442= (NM_001353125.2); c.1047A>G, p.Leu349= (NM_001353126.2); c.2034A>G, p.Leu678= (NM_025180.5); c.1467+9445A>G (NM_001353113.1, NM_001353117.2); and 1 more.
Identifiers: ClinVar variation 1902908 (VCV001902908.5), dbSNP rs1355924770, ClinGen allele CA435835989.